The following is an entry in ClinVar:

NM_001130987.2(DYSF):c.4122C>T (p.Ser1374=)

Gene: DYSF (dysferlin; plus strand). Cytogenetic location: 2p13.2.
Variant type: single nucleotide variant.
Coding change: c.4122C>T on transcript NM_001130987.2 (MANE Select); coding-DNA position 4122, C replaced by T.
Protein change: p.Ser1374=; no amino-acid change (serine 1374 retained).
Molecular consequence: synonymous variant.
Genome position (GRCh38, 1-based): chr2:71,611,527, C>T. VCF-style: chr2-71611527-C-T. GRCh37 (hg19) VCF-style: chr2-71838657-C-T.
Other names: p.Ser1356=; c.4071C>T, p.Ser1357= (NM_001130455.2, NM_001130983.2); c.4026C>T, p.Ser1342= (NM_001130976.2, NM_001130977.2); c.4068C>T, p.Ser1356= (NM_001130978.2, NM_003494.4); c.4161C>T, p.Ser1387= (NM_001130979.2); c.4119C>T, p.Ser1373= (NM_001130980.2, NM_001130981.2); c.4164C>T, p.Ser1388= (NM_001130982.2); c.4029C>T, p.Ser1343= (NM_001130984.2, NM_001130986.2); and 1 more.
Identifiers: ClinVar variation 94318 (VCV000094318.35), dbSNP rs2303607, ClinGen allele CA147757.

ClinVar aggregate classification (germline): Benign/Likely benign. Review status: criteria provided, multiple submitters, no conflicts (2 of 4 stars). 14 submissions from 14 submitters: Benign (8); Likely benign (2). 4 of the submissions do not count toward it. Last evaluated 2026-02-04.

Conditions:
Neuromuscular disease caused by qualitative or quantitative defects of dysferlin. Also called: Dysferlinopathy; Qualitative or quantitative defects of dysferlin. Identifiers: Orphanet 207073, MedGen C2931687, MONDO:0016145.
Miyoshi muscular dystrophy 1 (MMD1). Identifiers: Orphanet 45448, MedGen C4551973, MONDO:0024545, OMIM 254130.
Autosomal recessive limb-girdle muscular dystrophy type 2B (LGMDR2). Also called: MUSCULAR DYSTROPHY, LIMB-GIRDLE, AUTOSOMAL RECESSIVE 2; Limb-girdle muscular dystrophy, type 2B; Limb-Girdle Muscular Dystrophy Type 2B (LGMD2B); MUSCULAR DYSTROPHY, LIMB-GIRDLE, TYPE 3. Identifiers: Orphanet 268, MedGen C1850889, MONDO:0009676, OMIM 253601.

Allele frequency attached by ClinVar (database versions not stated): gnomAD 0.02075 and 0.02179; ESP Exome Variant Server 0.02107; TOPMed 0.02372; 1000 Genomes Project 30x 0.02374; 1000 Genomes Project 0.02416; gnomAD exomes 0.02713 and 0.03189; ExAC 0.02992.
gnomAD v4.1: 43,180 of 1,614,170 alleles (2.7%); highest among the groups gnomAD compares: Admixed American, 5.2%; 776 homozygotes.

Submissions (14):

Labcorp Genetics (formerly Invitae), Labcorp
Classification: Benign for Neuromuscular disease caused by qualitative or quantitative defects of dysferlin. Last evaluated: 2026-02-04. Review status: criteria provided, single submitter. Criteria: Invitae Variant Classification Sherloc (09022015). Collection method: clinical testing. Allele origin: germline.

Athena Diagnostics
Classification: Benign. Last evaluated: 2025-05-09. Review status: criteria provided, single submitter. Criteria: Athena Diagnostics Criteria. Collection method: clinical testing. Allele origin: unknown.
Comment: The frequency of this variant in the general population is higher than would generally be expected for pathogenic variants in this gene.

Mayo Clinic Laboratories, Mayo Clinic
Classification: Benign. Last evaluated: 2022-07-11. Review status: criteria provided, single submitter. Criteria: ACMG Guidelines, 2015. Collection method: clinical testing. Allele origin: germline. Observed: 67 variant alleles.
Comment: BA1, BP4, BP7

Genome-Nilou Lab
Classification: Benign for Miyoshi muscular dystrophy 1. Last evaluated: 2021-06-10. Review status: criteria provided, single submitter. Criteria: ACMG Guidelines, 2015. Collection method: clinical testing. Allele origin: germline. Affected: no.

Illumina Laboratory Services, Illumina
Classification: Likely benign for Qualitative or quantitative defects of dysferlin. Last evaluated: 2018-01-13. Review status: criteria provided, single submitter. Criteria: ICSL Variant Classification Criteria 13 December 2019. Collection method: clinical testing. Allele origin: germline.
Comment: This variant was observed in the ICSL laboratory as part of a predisposition screen in an ostensibly healthy population. It had not been previously curated by ICSL or reported in the Human Gene Mutation Database (HGMD: prior to June 1st, 2018), and was therefore a candidate for classification through an automated scoring system. Utilizing variant allele frequency, disease prevalence and penetrance estimates, and inheritance mode, an automated score was calculated to assess if this variant is too frequent to cause the disease. Based on the score and internal cut-off values, a variant classified as likely benign is not then subjected to further curation. The score for this variant resulted in a classification of likely benign for this disease.

GeneDx
Classification: Benign. Last evaluated: 2016-02-10. Review status: criteria provided, single submitter. Criteria: GeneDx Variant Classification (06012015). Collection method: clinical testing. Allele origin: germline. Affected: yes.
Comment: This variant is considered likely benign or benign based on one or more of the following criteria: it is a conservative change, it occurs at a poorly conserved position in the protein, it is predicted to be benign by multiple in silico algorithms, and/or has population frequency not consistent with disease.

Laboratory for Molecular Medicine, Mass General Brigham Personalized Medicine
Classification: Benign. Last evaluated: 2015-01-13. Review status: criteria provided, single submitter. Criteria: LMM Criteria. Collection method: clinical testing. Allele origin: germline. Observed: 2 variant alleles.
Comment: p.Ser1374Ser in exon 38 of DYSF: This variant is not expected to have clinical s ignificance because it does not alter an amino acid residue and is not located w ithin the splice consensus sequence. It has been identified in 2.8% (238/8600) o f European American chromosomes from a broad population by the NHLBI Exome Seque ncing Project (dbSNP rs2303607).

Eurofins Ntd Llc (ga)
Classification: Benign. Last evaluated: 2013-11-22. Review status: criteria provided, single submitter. Criteria: EGL Classification Definitions 2015. Collection method: clinical testing. Allele origin: germline. Observed: 10 variant alleles, 10 heterozygotes.

Breakthrough Genomics
Classification: Likely benign. Review status: criteria provided, single submitter. Criteria: ACMG Guidelines, 2015. Collection method: not provided. Allele origin: germline. Inheritance: Autosomal recessive inheritance. Affected: yes.

PreventionGenetics, part of Exact Sciences
Classification: Benign. Review status: criteria provided, single submitter. Criteria: ACMG Guidelines, 2015. Collection method: clinical testing. Allele origin: germline.

Natera, Inc.
Classification: Benign for Limb-girdle muscular dystrophy type 2B. Last evaluated: 2020-09-16. Review status: no assertion criteria provided. Collection method: clinical testing. Allele origin: germline. Not counted in ClinVar's aggregate classification.

Clinical Genetics, Academic Medical Center
Classification: Benign. Review status: no assertion criteria provided. Collection method: clinical testing. Allele origin: germline. Affected: yes. Study: VKGL Data-share Consensus. Not counted in ClinVar's aggregate classification.

Genetic Services Laboratory, University of Chicago
Classification: Likely benign for AllHighlyPenetrant. Review status: no assertion criteria provided. Collection method: clinical testing. Allele origin: germline. Inheritance: Autosomal recessive inheritance. Not counted in ClinVar's aggregate classification.
Comment: Likely benign based on allele frequency in 1000 Genomes Project or ESP global frequency and its presence in a patient with a rare or unrelated disease phenotype. NOT Sanger confirmed.

Laboratory of Diagnostic Genome Analysis, Leiden University Medical Center (LUMC)
Classification: Likely benign. Review status: no assertion criteria provided. Collection method: clinical testing. Allele origin: germline. Affected: yes. Study: VKGL Data-share Consensus. Not counted in ClinVar's aggregate classification.